The following is an entry in ClinVar:

NM_201384.3(PLEC):c.10248C>T (p.Gly3416=)

Gene: PLEC (plectin; minus strand). Cytogenetic location: 8q24.3.
Variant type: single nucleotide variant.
Coding change: c.10248C>T on transcript NM_201384.3 (MANE Select); coding-DNA position 10248, C replaced by T.
Protein change: p.Gly3416=; no amino-acid change (glycine 3416 retained).
Molecular consequence: synonymous variant.
Genome position (GRCh38, 1-based): chr8:143,919,573, G>A on the plus strand (C>T on the coding strand, the complement: PLEC is on the minus strand). VCF-style: chr8-143919573-G-A. GRCh37 (hg19) VCF-style: chr8-144993741-G-A.
Other names: c.10329C>T, p.Gly3443= (NM_000445.5); c.10206C>T, p.Gly3402= (NM_201378.4); c.10182C>T, p.Gly3394= (NM_201379.3); c.10659C>T, p.Gly3553= (NM_201380.4); c.10152C>T, p.Gly3384= (NM_201381.3); c.10248C>T, p.Gly3416= (NM_201382.4); c.10260C>T, p.Gly3420= (NM_201383.3).
Identifiers: ClinVar variation 516671 (VCV000516671.41), dbSNP rs200805625, ClinGen allele CA4924712.

ClinVar aggregate classification (germline): Benign/Likely benign. Review status: criteria provided, multiple submitters, no conflicts (2 of 4 stars). 5 submissions from 5 submitters: Benign (1); Likely benign (4). Last evaluated 2026-01-23.

Conditions:
Epidermolysis bullosa simplex 5C, with pyloric atresia (EBS5C). Also called: PLEC-Related Epidermolysis Bullosa with Pyloric Atresia; Epidermolysis bullosa simplex with pyloric atresia; PLEC1-Related Epidermolysis Bullosa with Pyloric Atresia. Identifiers: Orphanet 158684, MedGen C2677349, MONDO:0012807, OMIM 612138.
Epidermolysis bullosa simplex, Ogna type (EBS5A). Also called: Pidermolysis bullosa simplex 5A, Ogna type; EPIDERMOLYSIS BULLOSA SIMPLEX 5A, OGNA TYPE. Identifiers: Orphanet 79401, MedGen C0432317, MONDO:0007555, OMIM 131950.
Autosomal recessive limb-girdle muscular dystrophy type 2Q (LGMDR17). Also called: MUSCULAR DYSTROPHY, LIMB-GIRDLE, AUTOSOMAL RECESSIVE 17. Identifiers: Orphanet 254361, MedGen C3150989, MONDO:0013390, OMIM 613723.
Epidermolysis bullosa simplex with nail dystrophy (EBS5D). Identifiers: MedGen C4225309, MONDO:0014661, OMIM 616487.
Epidermolysis bullosa simplex 5B, with muscular dystrophy (EBS5B). Also called: Epidermolysis bullosa simplex with muscular dystrophy; EPIDERMOLYSIS BULLOSA SIMPLEX AND LIMB-GIRDLE MUSCULAR DYSTROPHY. Identifiers: Orphanet 257, MedGen C2931072, MONDO:0009181, OMIM 226670.

Allele frequency attached by ClinVar (database versions not stated): gnomAD 0.00001 and 0.00023; TOPMed 0.00004; ESP Exome Variant Server 0.00008; gnomAD exomes 0.00047 and 0.00087; 1000 Genomes Project 30x 0.00078; 1000 Genomes Project 0.00080; ExAC 0.00090.
gnomAD v4.1: 716 of 1,604,096 alleles (0.045%); highest among the groups gnomAD compares: South Asian, 0.73%; 12 homozygotes.

Submissions (5):

Labcorp Genetics (formerly Invitae), Labcorp
Classification: Benign for Autosomal recessive limb-girdle muscular dystrophy type 2Q; Epidermolysis bullosa simplex, Ogna type; Epidermolysis bullosa simplex with nail dystrophy; Epidermolysis bullosa simplex 5C, with pyloric atresia; Epidermolysis bullosa simplex 5B, with muscular dystrophy. Last evaluated: 2026-01-23. Review status: criteria provided, single submitter. Criteria: Invitae Variant Classification Sherloc (09022015). Collection method: clinical testing. Allele origin: germline.

Blueprint Genetics
Classification: Likely benign. Last evaluated: 2024-08-19. Review status: criteria provided, single submitter. Criteria: ACMG Guidelines, 2015. Collection method: clinical testing. Allele origin: germline.

CeGaT Center for Human Genetics Tuebingen
Classification: Likely benign. Last evaluated: 2024-07-01. Review status: criteria provided, single submitter. Criteria: CeGaT Center For Human Genetics Tuebingen Variant Classification Criteria Version 2. Collection method: clinical testing. Allele origin: germline. Affected: yes. Observed: 5 variant alleles.
Comment: PLEC: BP4, BP7, BS2

GeneDx
Classification: Likely benign. Last evaluated: 2020-08-24. Review status: criteria provided, single submitter. Criteria: GeneDx Variant Classification Process June 2021. Collection method: clinical testing. Allele origin: germline. Affected: yes.

Eurofins Ntd Llc (ga)
Classification: Likely benign. Last evaluated: 2017-09-19. Review status: criteria provided, single submitter. Criteria: EGL Classification Definitions 2015. Collection method: clinical testing. Allele origin: germline. Observed: 4 variant alleles, 4 heterozygotes.